The following is an entry in ClinVar:

ClinVar aggregate classification (germline): Uncertain significance. Review status: criteria provided, multiple submitters, no conflicts (2 of 4 stars). 2 submissions from 2 submitters: Uncertain significance (2). Last evaluated 2025-07-20.

Conditions:
Autoimmune interstitial lung disease-arthritis syndrome. Also called: Autoinflammation and autoimmunity, systemic, with immune dysregulation. Identifiers: Orphanet 444092, MedGen C5975714, MONDO:0014629.
Inborn genetic diseases. Identifiers: MedGen C0950123, MeSH D030342.

Allele frequency attached by ClinVar (database versions not stated): gnomAD 0.00001 and 0.00002; gnomAD exomes 0.00002; TOPMed 0.00002; ExAC 0.00003; 1000 Genomes Project 30x 0.00016; 1000 Genomes Project 0.00020.
gnomAD v4.1: 14 of 1,614,122 alleles (0.00087%); highest among the groups gnomAD compares: South Asian, 0.0044%; no homozygotes.

Submissions (2):

Labcorp Genetics (formerly Invitae), Labcorp
Classification: Uncertain significance for Autoimmune interstitial lung disease-arthritis syndrome. Last evaluated: 2025-07-20. Review status: criteria provided, single submitter. Criteria: Invitae Variant Classification Sherloc (09022015). Collection method: clinical testing. Allele origin: germline.
Comment: This sequence change replaces alanine, which is neutral and non-polar, with valine, which is neutral and non-polar, at codon 407 of the COPA protein (p.Ala407Val). This variant is present in population databases (rs559332322, gnomAD 0.01%). This variant has not been reported in the literature in individuals affected with COPA-related conditions. ClinVar contains an entry for this variant (Variation ID: 542641). An algorithm developed to predict the effect of missense changes on protein structure and function (PolyPhen-2) suggests that this variant is likely to be tolerated. In summary, the available evidence is currently insufficient to determine the role of this variant in disease. Therefore, it has been classified as a Variant of Uncertain Significance.

Ambry Genetics
Classification: Uncertain significance for Inborn genetic diseases. Last evaluated: 2023-01-31. Review status: criteria provided, single submitter. Criteria: Ambry Variant Classification Scheme 2023. Collection method: clinical testing. Allele origin: germline.

NM_004371.4(COPA):c.1220C>T (p.Ala407Val)

Gene: COPA (coat protein complex I subunit alpha; minus strand). Cytogenetic location: 1q23.2.
Variant type: single nucleotide variant.
Coding change: c.1220C>T on transcript NM_004371.4 (MANE Select); coding-DNA position 1220, C replaced by T.
Protein change: p.Ala407Val; replaces alanine 407 with valine.
Molecular consequence: missense variant.
Genome position (GRCh38, 1-based): chr1:160,307,245, G>A on the plus strand (C>T on the coding strand, the complement: COPA is on the minus strand). VCF-style: chr1-160307245-G-A. GRCh37 (hg19) VCF-style: chr1-160277035-G-A.
Other names: c.1220C>T (NM_001098398.1); c.1220C>T, p.Ala407Val (LRG_1336t1, NM_001098398.2); short protein forms A407V.
Identifiers: ClinVar variation 542641 (VCV000542641.10), dbSNP rs559332322, ClinGen allele CA1198147.